The following is an entry in ClinVar:

NM_152419.3(HGSNAT):c.852G>T (p.Trp284Cys)

Gene: HGSNAT (heparan-alpha-glucosaminide N-acetyltransferase; plus strand). Cytogenetic location: 8p11.21.
Variant type: single nucleotide variant.
Coding change: c.852G>T on transcript NM_152419.3 (MANE Select); coding-DNA position 852, G replaced by T.
Protein change: p.Trp284Cys; replaces tryptophan 284 with cysteine.
Molecular consequence: missense variant. On other transcripts: 5 prime UTR variant (1), intron variant (1).
Genome position (GRCh38, 1-based): chr8:43,178,074, G>T. VCF-style: chr8-43178074-G-T. GRCh37 (hg19) VCF-style: chr8-43033217-G-T.
Other names: c.852G>T, p.Trp284Cys (NM_001363227.2); c.-13G>T (NM_001363229.2); c.821-4071G>T (NM_001363228.2); short protein forms W284C.
Identifiers: ClinVar variation 955215 (VCV000955215.6), dbSNP rs777146364, ClinGen allele CA4736674.

ClinVar aggregate classification (germline): Uncertain significance (1 of 4 stars; one submission).

Conditions:
Mucopolysaccharidosis, MPS-III-C (MPS3C). Also called: MPS IIIC (Sanfilippo Syndrome Type C); MUCOPOLYSACCHARIDOSIS, TYPE IIIC; Mucopolysaccharidosis type IIIC (Sanfilippo C); mucopolysaccharidosis type 3C; SANFILIPPO SYNDROME C; MPS III C. Identifiers: Orphanet 581, Orphanet 79271, MedGen C0086649, MONDO:0009657, OMIM 252930.
Retinitis pigmentosa 73 (RP73). Identifiers: Orphanet 791, MedGen C4225287, MONDO:0014687, OMIM 616544.

Allele frequency attached by ClinVar (database versions not stated): gnomAD exomes 0.00001; ExAC 0.00002; TOPMed 0.00002.
gnomAD v4.1: 14 of 1,612,744 alleles (0.00087%); highest among the groups gnomAD compares: Admixed American, 0.005%; no homozygotes.

Submission:

Labcorp Genetics (formerly Invitae), Labcorp
Classification: Uncertain significance for Retinitis pigmentosa 73; Mucopolysaccharidosis, MPS-III-C. Last evaluated: 2025-03-17. Review status: criteria provided, single submitter. Criteria: Invitae Variant Classification Sherloc (09022015). Collection method: clinical testing. Allele origin: germline.
Comment: This sequence change replaces tryptophan, which is neutral and slightly polar, with cysteine, which is neutral and slightly polar, at codon 284 of the HGSNAT protein (p.Trp284Cys). This variant is present in population databases (rs777146364, gnomAD 0.006%). This variant has not been reported in the literature in individuals affected with HGSNAT-related conditions. ClinVar contains an entry for this variant (Variation ID: 955215). An algorithm developed to predict the effect of missense changes on protein structure and function (PolyPhen-2) suggests that this variant is likely to be tolerated. Algorithms developed to predict the effect of sequence changes on RNA splicing suggest that this variant may disrupt the consensus splice site. In summary, the available evidence is currently insufficient to determine the role of this variant in disease. Therefore, it has been classified as a Variant of Uncertain Significance.